The following is an entry in ClinVar:

ClinVar aggregate classification (germline): Uncertain significance (1 of 4 stars; one submission).

Conditions:
Developmental and epileptic encephalopathy, 42 (DEE42A). Also called: Epileptic encephalopathy, early infantile, 42; DEVELOPMENTAL AND EPILEPTIC ENCEPHALOPATHY 42A; EPILEPTIC ENCEPHALOPATHY, EARLY INFANTILE, 42A. Identifiers: MedGen C4310716, MONDO:0014917, OMIM 617106.
Episodic ataxia type 2 (EA2). Also called: ACETAZOLAMIDE-RESPONSIVE HEREDITARY PAROXYSMAL CEREBELLAR ATAXIA; ATAXIA, EPISODIC, WITH NYSTAGMUS; ATAXIA, FAMILIAL PAROXYSMAL; CEREBELLAR ATAXIA, PAROXYSMAL, ACETAZOLAMIDE-RESPONSIVE; CEREBELLOPATHY, HEREDITARY PAROXYSMAL; EPISODIC ATAXIA, NYSTAGMUS-ASSOCIATED. Identifiers: Orphanet 97, MedGen C1720416, MONDO:0007163, OMIM 108500.

Allele frequency attached by ClinVar (database versions not stated): gnomAD 0.00001; gnomAD exomes 0.00001; ExAC 0.00001; TOPMed 0.00001.
gnomAD v4.1: 22 of 1,613,786 alleles (0.0014%); highest among the groups gnomAD compares: African/African-American, 0.0027%; no homozygotes.

Submission:

Labcorp Genetics (formerly Invitae), Labcorp
Classification: Uncertain significance for Developmental and epileptic encephalopathy, 42; Episodic ataxia type 2. Last evaluated: 2025-07-02. Review status: criteria provided, single submitter. Criteria: Invitae Variant Classification Sherloc (09022015). Collection method: clinical testing. Allele origin: germline.
Comment: This sequence change replaces glycine, which is neutral and non-polar, with glutamic acid, which is acidic and polar, at codon 1211 of the CACNA1A protein (p.Gly1211Glu). This variant is present in population databases (rs763558455, gnomAD 0.003%). This variant has not been reported in the literature in individuals affected with CACNA1A-related conditions. ClinVar contains an entry for this variant (Variation ID: 1005662). Invitae Evidence Modeling of protein sequence and biophysical properties (such as structural, functional, and spatial information, amino acid conservation, physicochemical variation, residue mobility, and thermodynamic stability) indicates that this missense variant is not expected to disrupt CACNA1A protein function with a negative predictive value of 95%. In summary, the available evidence is currently insufficient to determine the role of this variant in disease. Therefore, it has been classified as a Variant of Uncertain Significance.

NM_001127222.2(CACNA1A):c.3629G>A (p.Gly1210Glu)

Gene: CACNA1A (calcium voltage-gated channel subunit alpha1 A; minus strand). Cytogenetic location: 19p13.13.
Variant type: single nucleotide variant.
Coding change: c.3629G>A on transcript NM_001127222.2 (MANE Select); coding-DNA position 3629, G replaced by A.
Protein change: p.Gly1210Glu; replaces glycine 1210 with glutamic acid.
Molecular consequence: missense variant.
Genome position (GRCh38, 1-based): chr19:13,285,131, C>T on the plus strand (G>A on the coding strand, the complement: CACNA1A is on the minus strand). VCF-style: chr19-13285131-C-T. GRCh37 (hg19) VCF-style: chr19-13395945-C-T.
Other names: c.3641G>A, p.Gly1214Glu (NM_000068.4, NM_023035.3); c.3632G>A, p.Gly1211Glu (NM_001127221.2, NM_001174080.2); short protein forms G1210E, G1211E, G1214E.
Identifiers: ClinVar variation 1005662 (VCV001005662.9), dbSNP rs763558455, ClinGen allele CA9240250.